The following is an entry in ClinVar:

ClinVar aggregate classification (germline): Uncertain significance. Review status: criteria provided, multiple submitters, no conflicts (2 of 4 stars). 2 submissions from 2 submitters: Uncertain significance (2). Last evaluated 2024-01-24.

Conditions:
Inborn genetic diseases. Identifiers: MedGen C0950123, MeSH D030342.

Allele frequency attached by ClinVar (database versions not stated): ESP Exome Variant Server 0.00008.
gnomAD v4.1: 21 of 1,613,612 alleles (0.0013%); highest among the groups gnomAD compares: Non-Finnish European, 0.0017%; no homozygotes.

Submissions (2):

Ambry Genetics
Classification: Uncertain significance for Inborn genetic diseases. Last evaluated: 2024-01-24. Review status: criteria provided, single submitter. Criteria: Ambry Variant Classification Scheme 2023. Collection method: clinical testing. Allele origin: germline.

Labcorp Genetics (formerly Invitae), Labcorp
Classification: Uncertain significance. Last evaluated: 2023-09-27. Review status: criteria provided, single submitter. Criteria: Invitae Variant Classification Sherloc (09022015). Collection method: clinical testing. Allele origin: germline.
Comment: In summary, the available evidence is currently insufficient to determine the role of this variant in disease. Therefore, it has been classified as a Variant of Uncertain Significance. This sequence change replaces alanine, which is neutral and non-polar, with serine, which is neutral and polar, at codon 537 of the DDX58 protein (p.Ala537Ser). This variant is present in population databases (rs371259089, gnomAD 0.002%). This variant has not been reported in the literature in individuals affected with DDX58-related conditions. ClinVar contains an entry for this variant (Variation ID: 1436142). An algorithm developed to predict the effect of missense changes on protein structure and function (PolyPhen-2) suggests that this variant is likely to be tolerated.

NM_014314.4(RIGI):c.1609G>T (p.Ala537Ser)

Gene: RIGI (RNA sensor RIG-I; minus strand). Cytogenetic location: 9p21.1.
Variant type: single nucleotide variant.
Coding change: c.1609G>T on transcript NM_014314.4 (MANE Select); coding-DNA position 1609, G replaced by T.
Protein change: p.Ala537Ser; replaces alanine 537 with serine.
Molecular consequence: missense variant.
Genome position (GRCh38, 1-based): chr9:32,481,369, C>A on the plus strand (G>T on the coding strand, the complement: RIGI is on the minus strand). VCF-style: chr9-32481369-C-A. GRCh37 (hg19) VCF-style: chr9-32481367-C-A.
Other names: c.1603G>T, p.Ala535Ser (NM_001385907.1); c.1609G>T, p.Ala537Ser (NM_001385909.1); c.1168G>T, p.Ala390Ser (NM_001385910.1); c.1000G>T, p.Ala334Ser (NM_001385912.1); c.1594G>T, p.Ala532Ser (NM_001385913.1); c.1165G>T, p.Ala389Ser (NM_001385914.1); c.1609G>T (NM_014314.3); short protein forms A334S, A389S, A532S, A537S, A390S, A535S.
Identifiers: ClinVar variation 1436142 (VCV001436142.9), dbSNP rs371259089, ClinGen allele CA5019751.